The following is an entry in ClinVar:

NM_020347.4(LZTFL1):c.456+7T>C

Gene: LZTFL1 (leucine zipper transcription factor like 1; minus strand). Cytogenetic location: 3p21.31.
Variant type: single nucleotide variant.
Coding change: c.456+7T>C on transcript NM_020347.4 (MANE Select); 7 bases into the intron after coding-DNA position 456, T replaced by C.
Molecular consequence: intron variant.
Genome position (GRCh38, 1-based): chr3:45,833,043, A>G on the plus strand (T>C on the coding strand, the complement: LZTFL1 is on the minus strand). VCF-style: chr3-45833043-A-G. GRCh37 (hg19) VCF-style: chr3-45874535-A-G.
Other names: c.444+7T>C (NM_001276379.2); c.405+7T>C (NM_001276378.2, NM_001386451.1); c.456+7T>C (NM_001386452.1, NM_020347.3).
Identifiers: ClinVar variation 2134417 (VCV002134417.5), dbSNP rs2529777365, ClinGen allele CA2577572765.

ClinVar aggregate classification (germline): Likely benign. Review status: criteria provided, multiple submitters, no conflicts (2 of 4 stars). 2 submissions from 2 submitters: Likely benign (2). Last evaluated 2025-08-24.

Conditions:
LZTFL1-related disorder. Also called: LZTFL1-related condition.

Allele frequency attached by ClinVar (database versions not stated): gnomAD exomes below 0.00001.
gnomAD v4.1: 1 of 1,605,148 alleles (0.000062%); highest among the groups gnomAD compares: Non-Finnish European, 0.000085%; no homozygotes.

Submissions (2):

Labcorp Genetics (formerly Invitae), Labcorp
Classification: Likely benign. Last evaluated: 2025-08-24. Review status: criteria provided, single submitter. Criteria: Invitae Variant Classification Sherloc (09022015). Collection method: clinical testing. Allele origin: germline.

PreventionGenetics, part of Exact Sciences
Classification: Likely benign for LZTFL1-related condition. Last evaluated: 2025-07-29. Review status: criteria provided, single submitter. Criteria: ACMG Guidelines, 2015. Collection method: clinical testing. Allele origin: germline.
Comment: This variant is classified as likely benign based on ACMG/AMP sequence variant interpretation guidelines (Richards et al. 2015 PMID: 25741868, with internal and published modifications).